The following is an entry in ClinVar:

NM_004818.3(DDX23):c.712C>T (p.Arg238Trp)

Gene: DDX23 (DEAD-box helicase 23; minus strand). Cytogenetic location: 12q13.12.
Variant type: single nucleotide variant.
Coding change: c.712C>T on transcript NM_004818.3 (MANE Select); coding-DNA position 712, C replaced by T.
Protein change: p.Arg238Trp; replaces arginine 238 with tryptophan.
Molecular consequence: missense variant.
Genome position (GRCh38, 1-based): chr12:48,837,565, G>A on the plus strand (C>T on the coding strand, the complement: DDX23 is on the minus strand). VCF-style: chr12-48837565-G-A. GRCh37 (hg19) VCF-style: chr12-49231348-G-A.
Other names: short protein forms R238W.
Identifiers: ClinVar variation 3383709 (VCV003383709.1).

ClinVar aggregate classification (germline): Uncertain significance (1 of 4 stars; one submission).

gnomAD v4.1: 2 of 1,614,048 alleles (0.00012%); highest among the groups gnomAD compares: Non-Finnish European, 0.00017%; no homozygotes.

Submission:

GeneDx
Classification: Uncertain significance. Last evaluated: 2024-05-28. Review status: criteria provided, single submitter. Criteria: GeneDx Variant Classification Process June 2021. Collection method: clinical testing. Allele origin: germline. Affected: yes.
Comment: Not observed at significant frequency in large population cohorts (gnomAD); In silico analysis supports that this missense variant has a deleterious effect on protein structure/function; Has not been previously published as pathogenic or benign to our knowledge